The following is an entry in ClinVar:

ClinVar aggregate classification (germline): Benign/Likely benign. Review status: criteria provided, multiple submitters, no conflicts (2 of 4 stars). 3 submissions from 3 submitters: Benign (1); Likely benign (2). Last evaluated 2026-07-01.

Conditions:
Sessile serrated polyposis cancer syndrome (SSPCS). Identifiers: Orphanet 157798, MedGen C4310714, MONDO:0014919, OMIM 617108.

Allele frequency attached by ClinVar (database versions not stated): TOPMed below 0.00001; ExAC 0.00001; gnomAD exomes below 0.00001.
gnomAD v4.1: 6 of 1,613,878 alleles (0.00037%); highest among the groups gnomAD compares: Admixed American, 0.0083%; no homozygotes.

Submissions (3):

Myriad Genetics, Inc.
Classification: Benign for Sessile serrated polyposis cancer syndrome. Last evaluated: 2026-07-01. Review status: criteria provided, single submitter. Criteria: Myriad Autosomal Dominant, Autosomal Recessive and X-Linked Classification Criteria (2023). Collection method: clinical testing. Allele origin: unknown.
Comment: This variant is considered benign. This variant is a silent/synonymous amino acid change and it is not expected to impact splicing.

Ambry Genetics
Classification: Likely benign. Last evaluated: 2025-03-12. Review status: criteria provided, single submitter. Criteria: Ambry Variant Classification Scheme 2023. Collection method: clinical testing. Allele origin: germline.

Labcorp Genetics (formerly Invitae), Labcorp
Classification: Likely benign. Last evaluated: 2023-06-17. Review status: criteria provided, single submitter. Criteria: Invitae Variant Classification Sherloc (09022015). Collection method: clinical testing. Allele origin: germline.

NM_017763.6(RNF43):c.861C>T (p.Val287=)

Gene: RNF43 (ring finger protein 43; minus strand). Cytogenetic location: 17q22.
Variant type: single nucleotide variant.
Coding change: c.861C>T on transcript NM_017763.6 (MANE Select); coding-DNA position 861, C replaced by T.
Protein change: p.Val287=; no amino-acid change (valine 287 retained).
Molecular consequence: synonymous variant.
Genome position (GRCh38, 1-based): chr17:58,360,240, G>A on the plus strand (C>T on the coding strand, the complement: RNF43 is on the minus strand). VCF-style: chr17-58360240-G-A. GRCh37 (hg19) VCF-style: chr17-56437601-G-A.
Other names: c.861C>T, p.Val287= (NM_001305544.3); c.480C>T, p.Val160= (NM_001305545.2).
Identifiers: ClinVar variation 2168997 (VCV002168997.6), dbSNP rs748309469, ClinGen allele CA8673272.